The following is an entry in ClinVar:

ClinVar aggregate classification (germline): Uncertain significance. Review status: criteria provided, multiple submitters, no conflicts (2 of 4 stars). 2 submissions from 2 submitters: Uncertain significance (2). Last evaluated 2026-08-08.

Conditions:
Hereditary cancer-predisposing syndrome. Also called: Tumor predisposition; Hereditary Cancer Syndrome; Hereditary neoplastic syndrome; Neoplastic Syndromes, Hereditary. Identifiers: Orphanet 140162, MedGen C0027672, MeSH D009386, MONDO:0015356.
Familial cancer of breast. Also called: Hereditary breast cancer; BREAST CANCER, FAMILIAL; hereditary breast carcinoma. Identifiers: Orphanet 227535, MedGen C0346153, MONDO:0016419, OMIM 114480. Disease mechanism: loss of function.

Allele frequency attached by ClinVar (database versions not stated): TOPMed 0.00002; gnomAD 0.00005.
gnomAD v4.1: 7 of 1,614,034 alleles (0.00043%); highest among the groups gnomAD compares: Admixed American, 0.012%; no homozygotes.

Submissions (2):

Ambry Genetics
Classification: Uncertain significance for Hereditary cancer-predisposing syndrome. Last evaluated: 2026-08-08. Review status: criteria provided, single submitter. Criteria: Ambry Variant Classification Scheme 2023. Collection method: clinical testing. Allele origin: germline.
Comment: The p.L671P variant (also known as c.2012T>C), located in coding exon 11 of the BARD1 gene, results from a T to C substitution at nucleotide position 2012. The leucine at codon 671 is replaced by proline, an amino acid with similar properties. This amino acid position is conserved. In addition, the in silico prediction for this alteration is inconclusive. Based on the available evidence, the clinical significance of this variant remains unclear.

Labcorp Genetics (formerly Invitae), Labcorp
Classification: Uncertain significance for Familial cancer of breast. Last evaluated: 2023-07-10. Review status: criteria provided, single submitter. Criteria: Invitae Variant Classification Sherloc (09022015). Collection method: clinical testing. Allele origin: germline.
Comment: In summary, the available evidence is currently insufficient to determine the role of this variant in disease. Therefore, it has been classified as a Variant of Uncertain Significance. An algorithm developed to predict the effect of missense changes on protein structure and function (PolyPhen-2) suggests that this variant is likely to be disruptive. ClinVar contains an entry for this variant (Variation ID: 2196583). This variant has not been reported in the literature in individuals affected with BARD1-related conditions. This variant is not present in population databases (gnomAD no frequency). This sequence change replaces leucine, which is neutral and non-polar, with proline, which is neutral and non-polar, at codon 671 of the BARD1 protein (p.Leu671Pro).

NM_000465.4(BARD1):c.2012T>C (p.Leu671Pro)

Gene: BARD1 (BRCA1 associated RING domain 1; minus strand). Cytogenetic location: 2q35.
Variant type: single nucleotide variant.
Coding change: c.2012T>C on transcript NM_000465.4 (MANE Select); coding-DNA position 2012, T replaced by C.
Protein change: p.Leu671Pro; replaces leucine 671 with proline.
Molecular consequence: missense variant. On other transcripts: non-coding transcript variant (3).
Genome position (GRCh38, 1-based): chr2:214,728,998, A>G on the plus strand (T>C on the coding strand, the complement: BARD1 is on the minus strand). VCF-style: chr2-214728998-A-G. GRCh37 (hg19) VCF-style: chr2-215593722-A-G.
Other names: c.1955T>C, p.Leu652Pro (NM_001282543.2); c.659T>C, p.Leu220Pro (NM_001282545.2); c.602T>C, p.Leu201Pro (NM_001282548.2); c.473T>C, p.Leu158Pro (NM_001282549.2); c.2012T>C (NM_000465.2); short protein forms L158P, L671P, L652P, L201P, L220P.
Identifiers: ClinVar variation 2196583 (VCV002196583.5), dbSNP rs1299991092, ClinGen allele CA350450809.